The following is an entry in ClinVar:

NM_001258392.3(CLPB):c.1786-106C>T

Gene: CLPB (ClpB family mitochondrial disaggregase; minus strand). Cytogenetic location: 11q13.4.
Variant type: single nucleotide variant.
Coding change: c.1786-106C>T on transcript NM_001258392.3 (MANE Select); 106 bases into the intron before coding-DNA position 1786, C replaced by T.
Molecular consequence: intron variant.
Genome position (GRCh38, 1-based): chr11:72,293,721, G>A on the plus strand (C>T on the coding strand, the complement: CLPB is on the minus strand). VCF-style: chr11-72293721-G-A. GRCh37 (hg19) VCF-style: chr11-72004765-G-A.
Other names: c.1699-106C>T (NM_001258393.3); c.1876-106C>T (NM_030813.6); c.1741-106C>T (NM_001258394.3).
Identifiers: ClinVar variation 678374 (VCV000678374.1), dbSNP rs138000635, ClinGen allele CA224385239.
Genomic context (GRCh38, chr11:72,293,721, plus strand): 5'-GCTTGGAGGTCGGCCTCCATCACTTACTGCTAGGGCAACTCAGAGACCTCCTTTGAGCCT[G>A]AGCCTCAGCTTTCTCATTTGCCAATTGGGGCTAATAACAGCTAGCTCGCAGGACTGCGCT-3'

ClinVar aggregate classification (germline): Likely benign (1 of 4 stars; one submission).

Allele frequency attached by ClinVar (database versions not stated): 1000 Genomes Project 30x 0.00062; 1000 Genomes Project 0.00080; TOPMed 0.00191; gnomAD 0.00294 and 0.00308; gnomAD exomes 0.00387.
gnomAD v4.1: 5,072 of 1,359,696 alleles (0.37%); highest among the groups gnomAD compares: Non-Finnish European, 0.43%; 18 homozygotes.

Submission:

GeneDx
Classification: Likely benign. Last evaluated: 2018-06-14. Review status: criteria provided, single submitter. Criteria: GeneDx Variant Classification (06012015). Collection method: clinical testing. Allele origin: germline. Affected: yes.
Comment: This variant is considered likely benign or benign based on one or more of the following criteria: it is a conservative change, it occurs at a poorly conserved position in the protein, it is predicted to be benign by multiple in silico algorithms, and/or has population frequency not consistent with disease.